The following is an entry in ClinVar:

ClinVar aggregate classification (germline): Conflicting classifications of pathogenicity. Review status: criteria provided, conflicting classifications (1 of 4 stars). 5 submissions from 5 submitters: Uncertain significance (1); Likely benign (4). Last evaluated 2026-06-01.

Conditions:
CHD7-related disorder. Also called: CHD7-related condition.
Hypogonadotropic hypogonadism 5 with or without anosmia (KAL5). Also called: HYPOGONADOTROPIC HYPOGONADISM 5 WITH ANOSMIA; HYPOGONADOTROPHIC HYPOGONADISM 5 WITHOUT ANOSMIA; CHD7-Related GnRH Deficiency (Kallmann Syndrome 5). Identifiers: Orphanet 478, MedGen C3552553, MONDO:0012880, OMIM 612370. Disease mechanism: loss of function.
CHARGE syndrome (CHARGE). Also called: Hittner Hirsch Kreh syndrome; Coloboma, heart anomaly, choanal atresia, retardation, genital and ear anomalies; CHARGE association; Hall-Hittner syndrome; CHARGE ASSOCIATION--COLOBOMA, HEART ANOMALY, CHOANAL ATRESIA, RETARDATION, GENITAL AND EAR ANOMALIES. Identifiers: Orphanet 138, MedGen C0265354, MONDO:0008965.

Allele frequency attached by ClinVar (database versions not stated): gnomAD 0.00001; TOPMed 0.00001; ExAC 0.00006; 1000 Genomes Project 30x 0.00016; 1000 Genomes Project 0.00020.
gnomAD v4.1: 64 of 1,609,722 alleles (0.004%); highest among the groups gnomAD compares: Middle Eastern, 0.066%; no homozygotes.

Submissions (5):

CeGaT Center for Human Genetics Tuebingen
Classification: Likely benign. Last evaluated: 2026-06-01. Review status: criteria provided, single submitter. Criteria: CeGaT Center For Human Genetics Tuebingen Variant Classification Criteria Version 2. Collection method: clinical testing. Allele origin: germline. Affected: yes. Observed: 2 variant alleles.
Comment: CHD7: BP4

PreventionGenetics, part of Exact Sciences
Classification: Likely benign for CHD7-related condition. Last evaluated: 2026-02-13. Review status: criteria provided, single submitter. Criteria: ACMG Guidelines, 2015. Collection method: clinical testing. Allele origin: germline.
Comment: This variant is classified as likely benign based on ACMG/AMP sequence variant interpretation guidelines (Richards et al. 2015 PMID: 25741868, with internal and published modifications).

Labcorp Genetics (formerly Invitae), Labcorp
Classification: Likely benign for CHARGE syndrome. Last evaluated: 2025-12-09. Review status: criteria provided, single submitter. Criteria: Invitae Variant Classification Sherloc (09022015). Collection method: clinical testing. Allele origin: germline.

Fulgent Genetics
Classification: Uncertain significance for CHD7-related CHARGE syndrome; Hypogonadotropic hypogonadism 5 with or without anosmia. Last evaluated: 2024-02-20. Review status: criteria provided, single submitter. Criteria: ACMG Guidelines, 2015. Collection method: clinical testing. Allele origin: germline.

GeneDx
Classification: Likely benign. Last evaluated: 2019-09-13. Review status: criteria provided, single submitter. Criteria: GeneDx Variant Classification Process June 2021. Collection method: clinical testing. Allele origin: germline. Affected: yes.

NM_017780.4(CHD7):c.33C>T (p.Gly11=)

Gene: CHD7 (chromodomain helicase DNA binding protein 7; plus strand). Cytogenetic location: 8q12.2.
Variant type: single nucleotide variant.
Coding change: c.33C>T on transcript NM_017780.4 (MANE Select); coding-DNA position 33, C replaced by T.
Protein change: p.Gly11=; no amino-acid change (glycine 11 retained).
Molecular consequence: synonymous variant.
Genome position (GRCh38, 1-based): chr8:60,741,465, C>T. VCF-style: chr8-60741465-C-T. GRCh37 (hg19) VCF-style: chr8-61654024-C-T.
Other names: c.33C>T, p.Gly11= (NM_001316690.1).
Identifiers: ClinVar variation 941605 (VCV000941605.16), dbSNP rs560030949, ClinGen allele CA4759254.